The following is an entry in ClinVar:

NM_000291.4(PGK1):c.375T>C (p.His125=)

Gene: PGK1 (phosphoglycerate kinase 1; plus strand). Cytogenetic location: Xq21.1.
Variant type: single nucleotide variant.
Coding change: c.375T>C on transcript NM_000291.4 (MANE Select); coding-DNA position 375, T replaced by C.
Protein change: p.His125=; no amino-acid change (histidine 125 retained).
Molecular consequence: synonymous variant.
Genome position (GRCh38, 1-based): chrX:78,114,118, T>C. VCF-style: chrX-78114118-T-C. GRCh37 (hg19) VCF-style: chrX-77369615-T-C.
Identifiers: ClinVar variation 1667170 (VCV001667170.31), dbSNP rs142134146, ClinGen allele CA10459674.

ClinVar aggregate classification (germline): Likely benign. Review status: criteria provided, multiple submitters, no conflicts (2 of 4 stars). 2 submissions from 2 submitters: Likely benign (2). Last evaluated 2024-05-01.

gnomAD v4.1: 8 of 1,209,515 alleles (0.00066%); highest among the groups gnomAD compares: Non-Finnish European, 0.0009%; no homozygotes.

Submissions (2):

CeGaT Center for Human Genetics Tuebingen
Classification: Likely benign. Last evaluated: 2024-05-01. Review status: criteria provided, single submitter. Criteria: CeGaT Center For Human Genetics Tuebingen Variant Classification Criteria Version 2. Collection method: clinical testing. Allele origin: germline. Affected: yes. Observed: 2 variant alleles.
Comment: PGK1: BP4, BP7

Labcorp Genetics (formerly Invitae), Labcorp
Classification: Likely benign. Last evaluated: 2021-09-09. Review status: criteria provided, single submitter. Criteria: Invitae Variant Classification Sherloc (09022015). Collection method: clinical testing. Allele origin: germline.